The following is an entry in ClinVar:

NM_000195.5(HPS1):c.1397+8G>T

Gene: HPS1 (HPS1 biogenesis of lysosomal organelles complex 3 subunit 1; minus strand). Cytogenetic location: 10q24.2.
Variant type: single nucleotide variant.
Coding change: c.1397+8G>T on transcript NM_000195.5 (MANE Select); 8 bases into the intron after coding-DNA position 1397, G replaced by T.
Molecular consequence: intron variant.
Genome position (GRCh38, 1-based): chr10:98,424,305, C>A on the plus strand (G>T on the coding strand, the complement: HPS1 is on the minus strand). VCF-style: chr10-98424305-C-A. GRCh37 (hg19) VCF-style: chr10-100184062-C-A.
Other names: p.?; c.1028+8G>T (NM_001322483.2, NM_001322484.2); c.1136+8G>T (NM_001322480.2, NM_001322481.2); c.1298+8G>T (NM_001322478.2, NM_001322479.2); c.1397+8G>T (NM_001322476.2, NM_001322477.2); c.929+8G>T (NM_001322485.2); c.1037+8G>T (NM_001322482.2); c.425+8G>T (NM_001322489.2, NM_001311345.2, NM_001322487.2).
Identifiers: ClinVar variation 163664 (VCV000163664.23), dbSNP rs2296433, ClinGen allele CA176288.
Genomic context (GRCh38, chr10:98,424,305, plus strand): 5'-ATGTGGCCTCCCAGGGAACAGTCCCCTGGGCACACGACCCACCCCTTGTCCTGAGGCCCA[C>A]CACTCACTCCCAGGAGGATCCGGGCTCACTTTTGGAGAAAGCCTTGGCCTTAAACTCCAG-3'

ClinVar aggregate classification (germline): Benign/Likely benign. Review status: criteria provided, multiple submitters, no conflicts (2 of 4 stars). 11 submissions from 11 submitters: Benign (9); Likely benign (1). 1 of the submissions does not count toward it. Last evaluated 2024-11-27.

Conditions:
Hermansky-Pudlak syndrome 1 (HPS1). Also called: DELTA STORAGE POOL DISEASE. Identifiers: Orphanet 231500, Orphanet 79430, MedGen C2931875, MONDO:0008748, OMIM 203300.
Hermansky-Pudlak syndrome (HPS). Also called: ALBINISM WITH HEMORRHAGIC DIATHESIS AND PIGMENTED RETICULOENDOTHELIAL CELLS. Identifiers: Orphanet 79430, MedGen C0079504, MONDO:0019312.

Allele frequency attached by ClinVar (database versions not stated): ESP Exome Variant Server 0.17084; gnomAD 0.20935 and 0.21829; TOPMed 0.21430; gnomAD exomes 0.24692 and 0.26383; 1000 Genomes Project 30x 0.24781; 1000 Genomes Project 0.25579; ExAC 0.26411.
gnomAD v4.1: 392,386 of 1,605,012 alleles (24%); highest among the groups gnomAD compares: South Asian, 40%; 51,037 homozygotes.

Submissions (11):

Blueprint Genetics
Classification: Likely benign. Last evaluated: 2024-11-27. Review status: criteria provided, single submitter. Criteria: ACMG Guidelines, 2015. Collection method: clinical testing. Allele origin: germline.

Labcorp Genetics (formerly Invitae), Labcorp
Classification: Benign. Last evaluated: 2023-12-17. Review status: criteria provided, single submitter. Criteria: Invitae Variant Classification Sherloc (09022015). Collection method: clinical testing. Allele origin: germline.

Mayo Clinic Laboratories, Mayo Clinic
Classification: Benign. Last evaluated: 2022-09-29. Review status: criteria provided, single submitter. Criteria: ACMG Guidelines, 2015. Collection method: clinical testing. Allele origin: germline. Observed: 246 variant alleles.

Genome-Nilou Lab
Classification: Benign for Hermansky-Pudlak syndrome 1. Last evaluated: 2021-08-10. Review status: criteria provided, single submitter. Criteria: ACMG Guidelines, 2015. Collection method: clinical testing. Allele origin: germline. Affected: no.

GeneDx
Classification: Benign. Last evaluated: 2019-04-07. Review status: criteria provided, single submitter. Criteria: GeneDx Variant Classification Process June 2021. Collection method: clinical testing. Allele origin: germline. Affected: yes.

Illumina Laboratory Services, Illumina
Classification: Benign for Hermansky-Pudlak syndrome 1. Last evaluated: 2018-01-13. Review status: criteria provided, single submitter. Criteria: ICSL Variant Classification Criteria 13 December 2019. Collection method: clinical testing. Allele origin: germline.
Comment: This variant was observed in the ICSL laboratory as part of a predisposition screen in an ostensibly healthy population. It had not been previously curated by ICSL or reported in the Human Gene Mutation Database (HGMD: prior to June 1st, 2018), and was therefore a candidate for classification through an automated scoring system. Utilizing variant allele frequency, disease prevalence and penetrance estimates, and inheritance mode, an automated score was calculated to assess if this variant is too frequent to cause the disease. Based on the score and internal cut-off values, a variant classified as benign is not then subjected to further curation. The score for this variant resulted in a classification of benign for this disease.

Eurofins Ntd Llc (ga)
Classification: Benign. Last evaluated: 2014-02-26. Review status: criteria provided, single submitter. Criteria: EGL Classification Definitions 2015. Collection method: clinical testing. Allele origin: germline. Observed: 1 variant allele, 1 heterozygote.

Laboratory for Molecular Medicine, Mass General Brigham Personalized Medicine
Classification: Benign. Last evaluated: 2013-02-21. Review status: criteria provided, single submitter. Criteria: LMM Criteria. Collection method: clinical testing. Allele origin: germline. Observed: 26 variant alleles.
Comment: 1397+8G>T in intron 14 of HPS1: This variant is not expected to have clinical si gnificance because it is not located within the conserved splice consensus seque nce. It has been identified in 20.4% (1753/8600) of European American chromosome s from a broad population by the NHLBI Exome Sequencing Project (dbSNP rs2296433).

Breakthrough Genomics
Classification: Benign. Review status: criteria provided, single submitter. Criteria: ACMG Guidelines, 2015. Collection method: not provided. Allele origin: germline. Inheritance: Autosomal recessive inheritance. Affected: yes.

PreventionGenetics, part of Exact Sciences
Classification: Benign. Review status: criteria provided, single submitter. Criteria: ACMG Guidelines, 2015. Collection method: clinical testing. Allele origin: germline.

Natera, Inc.
Classification: Benign for Hermansky-Pudlak syndrome. Last evaluated: 2020-09-16. Review status: no assertion criteria provided. Collection method: clinical testing. Allele origin: germline. Not counted in ClinVar's aggregate classification.